The following is an entry in ClinVar:

NM_022455.5(NSD1):c.1096G>A (p.Val366Met)

Gene: NSD1 (nuclear receptor binding SET domain protein 1; plus strand). Cytogenetic location: 5q35.3.
Variant type: single nucleotide variant.
Coding change: c.1096G>A on transcript NM_022455.5 (MANE Select); coding-DNA position 1096, G replaced by A.
Protein change: p.Val366Met; replaces valine 366 with methionine.
Molecular consequence: missense variant.
Genome position (GRCh38, 1-based): chr5:177,204,152, G>A. VCF-style: chr5-177204152-G-A. GRCh37 (hg19) VCF-style: chr5-176631153-G-A.
Other names: c.223G>A, p.Val75Met (NM_001365684.2, NM_001409306.1, NM_001409307.1 and 3 more transcripts); c.1096G>A, p.Val366Met (NM_001409301.1, NM_001409302.1, NM_001409303.1); c.676G>A, p.Val226Met (NM_001409304.1); c.343G>A, p.Val115Met (NM_001409305.1); short protein forms V366M, V97M, V115M, V226M, V75M.
Identifiers: ClinVar variation 451652 (VCV000451652.3), dbSNP rs1172667661, ClinGen allele CA362304555.

ClinVar aggregate classification (germline): Uncertain significance. Review status: criteria provided, multiple submitters, no conflicts (2 of 4 stars). 2 submissions from 2 submitters: Uncertain significance (2). Last evaluated 2023-05-05.

Conditions:
NSD1-related disorder. Also called: NSD1-related condition.

Allele frequency attached by ClinVar (database versions not stated): gnomAD exomes below 0.00001.
gnomAD v4.1: 1 of 1,614,100 alleles (0.000062%); highest among the groups gnomAD compares: Non-Finnish European, 0.000085%; no homozygotes.

Submissions (2):

PreventionGenetics, part of Exact Sciences
Classification: Uncertain significance for NSD1-related condition. Last evaluated: 2023-05-05. Review status: criteria provided, single submitter. Criteria: ACMG Guidelines, 2015. Collection method: clinical testing. Allele origin: germline.
Comment: The NSD1 c.1096G>A variant is predicted to result in the amino acid substitution p.Val366Met. To our knowledge, this variant has not been reported in the literature. This variant is reported in 0.00088% of alleles in individuals of European (Non-Finnish) descent in gnomAD (1 allele). At this time, the clinical significance of this variant is uncertain due to the absence of conclusive functional and genetic evidence.

GeneDx
Classification: Uncertain significance. Last evaluated: 2017-08-24. Review status: criteria provided, single submitter. Criteria: GeneDx Variant Classification (06012015). Collection method: clinical testing. Allele origin: germline. Affected: yes.
Comment: The V366M variant has not been published as a pathogenic variant, nor has it been reported as a benign variant to our knowledge. The V366M variant is not observed in large population cohorts (Lek et al., 2016; 1000 Genomes Consortium et al., 2015; Exome Variant Server). The V366M variant is a conservative amino acid substitution, which is not likely to impact secondary protein structure as these residues share similar properties. This substitution occurs at a position where amino acids with similar properties to Valine are tolerated across species. In silico analysis predicts this variant is probably damaging to the protein structure/function. Therefore, based on the currently available information, it is unclear whether this variant is a pathogenic variant or a rare benign variant.